The following is an entry in ClinVar:

ClinVar aggregate classification (germline): Uncertain significance (1 of 4 stars; one submission).

Conditions:
Medium-chain acyl-coenzyme A dehydrogenase deficiency (ACADMD). Also called: Medium chain acyl-CoA dehydrogenase deficiency; CARNITINE DEFICIENCY SECONDARY TO MEDIUM-CHAIN ACYL-CoA DEHYDROGENASE DEFICIENCY; ACADM DEFICIENCY; MCADH DEFICIENCY; MCAD Deficiency; MCADD. Identifiers: Orphanet 42, MedGen C0220710, MONDO:0008721, OMIM 201450.

Submission:

Labcorp Genetics (formerly Invitae), Labcorp
Classification: Uncertain significance for Medium-chain acyl-coenzyme A dehydrogenase deficiency. Last evaluated: 2025-06-08. Review status: criteria provided, single submitter. Criteria: Invitae Variant Classification Sherloc (09022015). Collection method: clinical testing. Allele origin: germline.
Comment: This sequence change replaces proline, which is neutral and non-polar, with alanine, which is neutral and non-polar, at codon 386 of the ACADM protein (p.Pro386Ala). This variant is not present in population databases (gnomAD no frequency). This variant has not been reported in the literature in individuals affected with ACADM-related conditions. Invitae Evidence Modeling of protein sequence and biophysical properties (such as structural, functional, and spatial information, amino acid conservation, physicochemical variation, residue mobility, and thermodynamic stability) has been performed for this missense variant. However, the output from this modeling did not meet the statistical confidence thresholds required to predict the impact of this variant on ACADM protein function. In summary, the available evidence is currently insufficient to determine the role of this variant in disease. Therefore, it has been classified as a Variant of Uncertain Significance.

NM_000016.6(ACADM):c.1156C>G (p.Pro386Ala)

Gene: ACADM (acyl-CoA dehydrogenase medium chain; plus strand). Cytogenetic location: 1p31.1.
Variant type: single nucleotide variant.
Coding change: c.1156C>G on transcript NM_000016.6 (MANE Select); coding-DNA position 1156, C replaced by G.
Protein change: p.Pro386Ala; replaces proline 386 with alanine.
Molecular consequence: missense variant.
Genome position (GRCh38, 1-based): chr1:75,761,332, C>G. VCF-style: chr1-75761332-C-G. GRCh37 (hg19) VCF-style: chr1-76227017-C-G.
Other names: c.1168C>G, p.Pro390Ala (NM_001127328.3); c.1048C>G, p.Pro350Ala (NM_001286042.2); c.1255C>G, p.Pro419Ala (NM_001286043.2); c.589C>G, p.Pro197Ala (NM_001286044.2); short protein forms P386A, P390A, P350A, P197A, P419A.
Identifiers: ClinVar variation 4744699 (VCV004744699.1).
Genomic context (GRCh38, chr1:75,761,332, plus strand): 5'-AATCAGTTAGCTACTGATGCTGTGCAGATACTTGGAGGCAATGGATTTAATACAGAATAT[C>G]CTGTAGAAAAACTAATGAGGGATGCCAAAATCTATCAGGTAAGGTTAAAGATGATTTTTT-3'
Protein context (NP_000007.1, residues 376-396): LGGNGFNTEY[Pro386Ala]VEKLMRDAKI